The following is an entry in ClinVar:

NM_144997.7(FLCN):c.1345C>T (p.Leu449Phe)

Gene: FLCN (folliculin; minus strand). Cytogenetic location: 17p11.2.
Variant type: single nucleotide variant.
Coding change: c.1345C>T on transcript NM_144997.7 (MANE Select); coding-DNA position 1345, C replaced by T.
Protein change: p.Leu449Phe; replaces leucine 449 with phenylalanine.
Molecular consequence: missense variant.
Genome position (GRCh38, 1-based): chr17:17,215,272, G>A on the plus strand (C>T on the coding strand, the complement: FLCN is on the minus strand). VCF-style: chr17-17215272-G-A. GRCh37 (hg19) VCF-style: chr17-17118586-G-A.
Other names: c.1399C>T, p.Leu467Phe (NM_001353229.2); c.1345C>T, p.Leu449Phe (NM_001353230.2, NM_001353231.2); short protein forms L467F, L449F.
Identifiers: ClinVar variation 2719378 (VCV002719378.3), dbSNP rs2144839246, ClinGen allele CA398531407.
Genomic context (GRCh38, chr17:17,215,272, plus strand): 5'-TGGTCACCACAAACTCGTACTTGCTGAGAGACTGGTCATCCTCACACCCCACAGGGTGGA[G>A]GGTGGAACGTGCGGCTGCGTGGACCTCCACGATGACAGCAAACTCTGTAACAACACAAGG-3'
Protein context (NP_659434.2, residues 439-459): VEVHAAARST[Leu449Phe]HPVGCEDDQS

ClinVar aggregate classification (germline): Uncertain significance (1 of 4 stars; one submission).

Conditions:
Birt-Hogg-Dube syndrome. Also called: Birt Hogg Dubé syndrome. Identifiers: Orphanet 122, MedGen C0346010, MONDO:0800444.

Submission:

Labcorp Genetics (formerly Invitae), Labcorp
Classification: Uncertain significance for Birt-Hogg-Dube syndrome. Last evaluated: 2023-06-19. Review status: criteria provided, single submitter. Criteria: Invitae Variant Classification Sherloc (09022015). Collection method: clinical testing. Allele origin: germline.
Comment: This variant has not been reported in the literature in individuals affected with FLCN-related conditions. This variant is not present in population databases (gnomAD no frequency). This sequence change replaces leucine, which is neutral and non-polar, with phenylalanine, which is neutral and non-polar, at codon 449 of the FLCN protein (p.Leu449Phe). Advanced modeling of protein sequence and biophysical properties (such as structural, functional, and spatial information, amino acid conservation, physicochemical variation, residue mobility, and thermodynamic stability) performed at Invitae indicates that this missense variant is not expected to disrupt FLCN protein function. In summary, the available evidence is currently insufficient to determine the role of this variant in disease. Therefore, it has been classified as a Variant of Uncertain Significance.